The following is an entry in ClinVar:

NM_001079872.2(CUL4B):c.1588T>C (p.Phe530Leu)

Gene: CUL4B (cullin 4B; minus strand). Cytogenetic location: Xq24.
Variant type: single nucleotide variant.
Coding change: c.1588T>C on transcript NM_001079872.2 (MANE Select); coding-DNA position 1588, T replaced by C.
Protein change: p.Phe530Leu; replaces phenylalanine 530 with leucine.
Molecular consequence: missense variant.
Genome position (GRCh38, 1-based): chrX:120,540,418, A>G on the plus strand (T>C on the coding strand, the complement: CUL4B is on the minus strand). VCF-style: chrX-120540418-A-G. GRCh37 (hg19) VCF-style: chrX-119674273-A-G.
Other names: c.1603T>C, p.Phe535Leu (NM_001330624.2); c.1054T>C, p.Phe352Leu (NM_001369145.1); c.1642T>C, p.Phe548Leu (NM_003588.4); short protein forms F352L, F535L, F530L, F548L.
Identifiers: ClinVar variation 1029012 (VCV001029012.1), dbSNP rs1923920343, ClinGen allele CA414196706.
Genomic context (GRCh38, chrX:120,540,418, plus strand): 5'-TGGAAAACATACCTATAAGTTCAGCTGGTTTATTTGGTCTTTTGTTAATGAACGTTTCAA[A>G]TGCTTCTTTCATGGCATTGATAAATTTCTCATTCTTCAGAAAGCAGATATCAATTATATG-3'
Protein context (NP_001073341.1, residues 520-540): EKFINAMKEA[Phe530Leu]ETFINKRPNK

ClinVar aggregate classification (germline): Uncertain significance (1 of 4 stars; one submission).

Conditions:
X-linked intellectual disability Cabezas type (MRXSC). Also called: CABEZAS SYNDROME; MENTAL RETARDATION, X-LINKED, SYNDROMIC 15; Intellectual developmental disorder, X-linked syndromic, Cabezas type. Identifiers: Orphanet 85289, Orphanet 85293, MedGen C1845861, MONDO:0010306, OMIM 300354.

Submission:

Baylor Genetics
Classification: Uncertain significance for X-linked intellectual disability Cabezas type. Last evaluated: 2019-08-23. Review status: criteria provided, single submitter. Criteria: ACMG Guidelines, 2015. Collection method: clinical testing. Allele origin: unknown. Affected: yes.
Comment: This variant was determined to be of uncertain significance according to ACMG Guidelines, 2015 [PMID:25741868].